The following is an entry in ClinVar:

NM_014714.4(IFT140):c.1084G>A (p.Gly362Arg)

Genes: IFT140 (intraflagellar transport 140; minus strand), LOC105371046 (uncharacterized LOC105371046; plus strand). Cytogenetic location: 16p13.3.
Variant type: single nucleotide variant.
Coding change: c.1084G>A on transcript NM_014714.4 (MANE Select); coding-DNA position 1084, G replaced by A.
Protein change: p.Gly362Arg; replaces glycine 362 with arginine.
Molecular consequence: missense variant.
Genome position (GRCh38, 1-based): chr16:1,586,201, C>T on the plus strand (G>A on the coding strand, the complement: IFT140 is on the minus strand). VCF-style: chr16-1586201-C-T. GRCh37 (hg19) VCF-style: chr16-1636202-C-T.
Other names: short protein forms G362R.
Identifiers: ClinVar variation 707466 (VCV000707466.15), dbSNP rs182052267, ClinGen allele CA7814439.

ClinVar aggregate classification (germline): Benign/Likely benign. Review status: criteria provided, multiple submitters, no conflicts (2 of 4 stars). 2 submissions from 2 submitters: Benign (1); Likely benign (1). Last evaluated 2026-03-01.

Conditions:
Saldino-Mainzer syndrome (SRTD9). Also called: CONORENAL SYNDROME; SHORT-RIB THORACIC DYSPLASIA 9 WITHOUT POLYDACTYLY; short-rib thoracic dysplasia 9 with or without polydactyly; Renal dysplasia, retinal pigmentary dystrophy, cerebellar ataxia and skeletal dysplasia. Identifiers: Orphanet 140969, MedGen C1849437, MONDO:0009964, OMIM 266920.

Allele frequency attached by ClinVar (database versions not stated): gnomAD exomes 0.00043 and 0.00210; 1000 Genomes Project 30x 0.00047; gnomAD 0.00059 and 0.00061; 1000 Genomes Project 0.00060; TOPMed 0.00108; ExAC 0.00171.
gnomAD v4.1: 702 of 1,614,114 alleles (0.043%); highest among the groups gnomAD compares: Admixed American, 1.1%; 6 homozygotes.

Submissions (2):

CeGaT Center for Human Genetics Tuebingen
Classification: Likely benign. Last evaluated: 2026-03-01. Review status: criteria provided, single submitter. Criteria: CeGaT Center For Human Genetics Tuebingen Variant Classification Criteria Version 2. Collection method: clinical testing. Allele origin: germline. Affected: yes. Observed: 1 variant allele.
Comment: IFT140: BP4, BS1

Labcorp Genetics (formerly Invitae), Labcorp
Classification: Benign for Saldino-Mainzer syndrome. Last evaluated: 2026-02-02. Review status: criteria provided, single submitter. Criteria: Invitae Variant Classification Sherloc (09022015). Collection method: clinical testing. Allele origin: germline.